The following is an entry in ClinVar:

ClinVar aggregate classification (germline): Likely benign. Review status: criteria provided, multiple submitters, no conflicts (2 of 4 stars). 3 submissions from 3 submitters: Likely benign (3). Last evaluated 2024-07-01.

Conditions:
Developmental and epileptic encephalopathy, 32 (DEE32). Also called: Epileptic encephalopathy, early infantile, 32. Identifiers: Orphanet 442835, MedGen C4225350, MONDO:0014607, OMIM 616366.
Inborn genetic diseases. Identifiers: MedGen C0950123, MeSH D030342.

Allele frequency attached by ClinVar (database versions not stated): gnomAD exomes below 0.00001; ExAC 0.00001; TOPMed 0.00001.

Submissions (3):

CeGaT Center for Human Genetics Tuebingen
Classification: Likely benign. Last evaluated: 2024-07-01. Review status: criteria provided, single submitter. Criteria: CeGaT Center For Human Genetics Tuebingen Variant Classification Criteria Version 2. Collection method: clinical testing. Allele origin: germline. Affected: yes. Observed: 2 variant alleles.
Comment: KCNA2: BP4, BP7

Labcorp Genetics (formerly Invitae), Labcorp
Classification: Likely benign for Developmental and epileptic encephalopathy, 32. Last evaluated: 2024-02-17. Review status: criteria provided, single submitter. Criteria: Invitae Variant Classification Sherloc (09022015). Collection method: clinical testing. Allele origin: germline.

Ambry Genetics
Classification: Likely benign for Inborn genetic diseases. Last evaluated: 2016-11-14. Review status: criteria provided, single submitter. Criteria: Ambry Variant Classification Scheme 2023. Collection method: clinical testing. Allele origin: germline.

NM_004974.4(KCNA2):c.630C>T (p.Ile210=)

Gene: KCNA2 (potassium voltage-gated channel subfamily A member 2; minus strand). Cytogenetic location: 1p13.3.
Variant type: single nucleotide variant.
Coding change: c.630C>T on transcript NM_004974.4 (MANE Select); coding-DNA position 630, C replaced by T.
Protein change: p.Ile210=; no amino-acid change (isoleucine 210 retained).
Molecular consequence: synonymous variant.
Genome position (GRCh38, 1-based): chr1:110,604,153, G>A on the plus strand (C>T on the coding strand, the complement: KCNA2 is on the minus strand). VCF-style: chr1-110604153-G-A. GRCh37 (hg19) VCF-style: chr1-111146775-G-A.
Other names: c.630C>T, p.Ile210= (NM_001204269.2).
Identifiers: ClinVar variation 589961 (VCV000589961.36), dbSNP rs761112803, ClinGen allele CA1000692.